The following is an entry in ClinVar:

ClinVar aggregate classification (germline): Uncertain significance (1 of 4 stars; one submission).

Conditions:
Inborn genetic diseases. Identifiers: MedGen C0950123, MeSH D030342.

Submission:

Ambry Genetics
Classification: Uncertain significance for Inborn genetic diseases. Last evaluated: 2025-03-28. Review status: criteria provided, single submitter. Criteria: Ambry Variant Classification Scheme 2023. Collection method: clinical testing. Allele origin: germline.
Comment: The p.Q795H variant (also known as c.2385G>C), located in coding exon 15 of the PIK3CA gene, results from a G to C substitution at nucleotide position 2385. The glutamine at codon 795 is replaced by histidine, an amino acid with highly similar properties. This amino acid position is conserved. In addition, this alteration is predicted to be tolerated by in silico analysis. Based on the available evidence, the clinical significance of this variant remains unclear.

NM_006218.4(PIK3CA):c.2385G>C (p.Gln795His)

Gene: PIK3CA (phosphatidylinositol-4,5-bisphosphate 3-kinase catalytic subunit alpha; plus strand). Cytogenetic location: 3q26.32.
Variant type: single nucleotide variant.
Coding change: c.2385G>C on transcript NM_006218.4 (MANE Select); coding-DNA position 2385, G replaced by C.
Protein change: p.Gln795His; replaces glutamine 795 with histidine.
Molecular consequence: missense variant.
Genome position (GRCh38, 1-based): chr3:179,224,790, G>C. VCF-style: chr3-179224790-G-C. GRCh37 (hg19) VCF-style: chr3-178942578-G-C.
Other names: short protein forms Q795H.
Identifiers: ClinVar variation 3932389 (VCV003932389.1).
Genomic context (GRCh38, chr3:179,224,790, plus strand): 5'-AAAAAGGCCACTGTGGTTGAATTGGGAGAACCCAGACATCATGTCAGAGTTACTGTTTCA[G>C]AACAATGAGATCATCTTTAAAAATGGGGATGGTAAGGAAGAGTATTAATGAGCTTATGAT-3'
Protein context (NP_006209.2, residues 785-805): NPDIMSELLF[Gln795His]NNEIIFKNGD